The following is an entry in ClinVar:

ClinVar aggregate classification (germline): Likely pathogenic (1 of 4 stars; one submission).

Conditions:
Hypohidrotic X-linked ectodermal dysplasia (XHED). Also called: ECTODERMAL DYSPLASIA, HYPOHIDROTIC, 1; CST SYNDROME; Anhidrotic ectodermal dysplasia X-linked; Christ Siemens Touraine syndrome; ECTODERMAL DYSPLASIA 1, HYPOHIDROTIC/HAIR/TOOTH TYPE, X-LINKED; ECTODERMAL DYSPLASIA 1. Identifiers: Orphanet 181, Orphanet 238468, MedGen C0162359, MONDO:0010585, OMIM 305100.

Submission:

Laboratory of Medical Genetics, National & Kapodistrian University of Athens
Classification: Likely pathogenic for Hypohidrotic X-linked ectodermal dysplasia. Last evaluated: 2022-07-26. Review status: criteria provided, single submitter. Criteria: ACMG Guidelines, 2015. Collection method: clinical testing. Allele origin: germline. Affected: yes.
Comment: PVS1, PM2

NM_001399.5(EDA):c.130del (p.Leu44fs)

Gene: EDA (ectodysplasin A; plus strand). Cytogenetic location: Xq13.1.
Variant type: Deletion.
Coding change: c.130del on transcript NM_001399.5 (MANE Select); coding-DNA position 130, one base deleted (C; older notation c.130delC).
Protein change: p.Leu44fs; shifts the reading frame from leucine 44.
Molecular consequence: frameshift variant.
Genome position (GRCh38, 1-based): chrX:69,616,438, C deleted; the last of 2 consecutive C bases (chrX:69,616,437-69,616,438); deleting either gives the same sequence. VCF-style (leftmost placement, unchanged base first): chrX-69616436-TC-T. GRCh37 (hg19) VCF-style: chrX-68836280-TC-T.
Other names: c.130del, p.Leu44fs (NM_001005609.2, NM_001005610.4, NM_001005612.3 and 1 more transcripts); c.130delC, p.Leu44Trpfs (NM_001005615.1); short protein forms L44fs.
Identifiers: ClinVar variation 1708064 (VCV001708064.1), dbSNP rs2519670205, ClinGen allele CA2580101295.
Genomic context (GRCh38, chrX:69,616,436, plus strand): 5'-AGGGCTGCGGGTGTGGCGGGGCCCCTGCCCGGGCGGGCGAAGGGAACAGCTGCCTGCTCT[TC>T]CTGGGTTTCTTTGGCCTCTCGCTGGCCCTCCACCTGCTGACGTTGTGCTGCTACCTAGAG-3'